The following is an entry in ClinVar:

ClinVar aggregate classification (germline): Benign/Likely benign. Review status: criteria provided, multiple submitters, no conflicts (2 of 4 stars). 3 submissions from 3 submitters: Benign (1); Likely benign (2). Last evaluated 2024-01-24.

Allele frequency attached by ClinVar (database versions not stated): ESP Exome Variant Server 0.27387; gnomAD 0.32987; TOPMed 0.33425; 1000 Genomes Project 30x 0.33573.
gnomAD v4.1: 493,612 of 1,544,462 alleles (32%); highest among the groups gnomAD compares: Middle Eastern, 43%; 87,029 homozygotes.

Submissions (3):

Unidad de Genómica Garrahan, Hospital de Pediatría Garrahan
Classification: Benign. Last evaluated: 2024-01-24. Review status: criteria provided, single submitter. Criteria: ACMG Guidelines, 2015. Collection method: clinical testing. Allele origin: germline. Affected: no. Observed: 44 variant alleles.
Comment: This variant is classified as Benign based on local population frequency. This variant was detected in 46% of patients studied by a panel of primary immunodeficiencies. Number of patients: 44. Only high quality variants are reported.

Laboratory for Molecular Medicine, Mass General Brigham Personalized Medicine
Classification: Likely benign. Last evaluated: 2016-03-28. Review status: criteria provided, single submitter. Criteria: LMM Criteria. Collection method: clinical testing. Allele origin: germline.
Comment: Variant identified in a genome or exome case(s) and assessed due to predicted null impact of the variant or pathogenic assertions in the literature or databases. Disclaimer: This variant has not undergone full assessment. The following are preliminary notes: Polymorphism that reportedly influences the strength of the antibody-dependent cellular cytotoxicity responses by NK cells. Associated with progression to end stage renal disease in lupus patients (17076550). NOT associated with suscepitibility to tuberculosis in Morrocan population (PMID 20439102)

Breakthrough Genomics
Classification: Likely benign. Review status: criteria provided, single submitter. Criteria: ACMG Guidelines, 2015. Collection method: not provided. Allele origin: germline. Inheritance: Autosomal recessive inheritance. Affected: yes.

NM_000569.8(FCGR3A):c.526T>G (p.Phe176Val)

Gene: FCGR3A (Fc gamma receptor IIIa; minus strand). Cytogenetic location: 1q23.3.
Variant type: single nucleotide variant.
Coding change: c.526T>G on transcript NM_000569.8 (MANE Select); coding-DNA position 526, T replaced by G.
Protein change: p.Phe176Val; replaces phenylalanine 176 with valine.
Molecular consequence: missense variant. On other transcripts: intron variant (1).
Genome position (GRCh38, 1-based): chr1:161,544,752, A>C on the plus strand (T>G on the coding strand, the complement: FCGR3A is on the minus strand). VCF-style: chr1-161544752-A-C. GRCh37 (hg19) VCF-style: chr1-161514542-A-C.
Other names: c.838T>G, p.Phe280Val (NM_001127592.2); c.526T>G, p.Phe176Val (NM_001127593.1, NM_001127595.2, NM_001329120.2); c.523T>G, p.Phe175Val (NM_001127596.2, NM_001386450.1); c.635-1553T>G (NM_001329122.1); short protein forms F176V, F175V, F280V.
Identifiers: ClinVar variation 225994 (VCV000225994.10), dbSNP rs396991, ClinGen allele CA1211378.